The following is an entry in ClinVar:

NM_000138.5(FBN1):c.5177G>T (p.Gly1726Val)

Gene: FBN1 (fibrillin 1; minus strand). Cytogenetic location: 15q21.1.
Variant type: single nucleotide variant.
Coding change: c.5177G>T on transcript NM_000138.5 (MANE Select); coding-DNA position 5177, G replaced by T.
Protein change: p.Gly1726Val; replaces glycine 1726 with valine.
Molecular consequence: missense variant.
Genome position (GRCh38, 1-based): chr15:48,463,129, C>A on the plus strand (G>T on the coding strand, the complement: FBN1 is on the minus strand). VCF-style: chr15-48463129-C-A. GRCh37 (hg19) VCF-style: chr15-48755326-C-A.
Other names: c.5177G>T, p.Gly1726Val (NM_001406716.1); short protein forms G1726V.
Identifiers: ClinVar variation 2431523 (VCV002431523.2), dbSNP rs1064797059, ClinGen allele CA392349127.
Genomic context (GRCh38, chr15:48,463,129, plus strand): 5'-AACTAAAACTCACCTGTACTTGGGATGGGACACTGTTCACAGGGCTTGTTCCACGCCCGG[C>A]CAATGTTGTAGGAACAGCAGCACATCTTCTTGGTCATGTTGAATAACAATTCTCCATCAC-3'
Protein context (NP_000129.3, residues 1716-1736): KKMCCCSYNI[Gly1726Val]RAWNKPCEQC

ClinVar aggregate classification (germline): Uncertain significance (1 of 4 stars; one submission).

Conditions:
Acromicric dysplasia (ACMICD). Also called: Acromicric skeletal dysplasia. Identifiers: Orphanet 969, MedGen C0265287, MONDO:0007055, OMIM 102370.

Submission:

Laboratorio de Genetica e Diagnostico Molecular, Hospital Israelita Albert Einstein
Classification: Uncertain significance for Acromicric dysplasia. Last evaluated: 2022-12-14. Review status: criteria provided, single submitter. Criteria: ACMG Guidelines, 2015. Collection method: clinical testing. Allele origin: germline. Affected: yes.
Comment: ACMG classification criteria: PS3 supporting, PS4 supporting, PM2 supporting, PP3 supporting